The following is an entry in ClinVar:

ClinVar aggregate classification (germline): Pathogenic (1 of 4 stars; one submission).

Conditions:
Polyglucosan body myopathy type 1 (PGBM1). Also called: Polyglucosan body myopathy 1 with or without immunodeficiency; POLYGLUCOSAN BODY MYOPATHY WITHOUT IMMUNODEFICIENCY. Identifiers: Orphanet 329173, Orphanet 397937, MedGen C4014605, MONDO:0014389, OMIM 615895.

Submission:

Labcorp Genetics (formerly Invitae), Labcorp
Classification: Pathogenic for Polyglucosan body myopathy type 1. Last evaluated: 2025-07-20. Review status: criteria provided, single submitter. Criteria: Invitae Variant Classification Sherloc (09022015). Collection method: clinical testing. Allele origin: germline.
Comment: This sequence change creates a premature translational stop signal (p.Pro175Alafs*17) in the RBCK1 gene. It is expected to result in an absent or disrupted protein product. Loss-of-function variants in RBCK1 are known to be pathogenic (PMID: 2379848, 23104095, 23889995). This variant is not present in population databases (gnomAD no frequency). This variant has not been reported in the literature in individuals affected with RBCK1-related conditions. For these reasons, this variant has been classified as Pathogenic.

Literature cited by the submitters: PubMed 2379848; PubMed 23104095; PubMed 23889995.

NM_031229.4(RBCK1):c.518dup (p.Pro175fs)

Gene: RBCK1 (RANBP2-type and C3HC4-type zinc finger containing 1; plus strand). Cytogenetic location: 20p13.
Variant type: Duplication.
Coding change: c.518dup on transcript NM_031229.4 (MANE Select); coding-DNA position 518, one base duplicated (C; older notation c.518dupC).
Protein change: p.Pro175fs; shifts the reading frame from proline 175.
Molecular consequence: frameshift variant. On other transcripts: non-coding transcript variant (1).
Genome position (GRCh38, 1-based): chr20:419,404, C duplicated; the last of 6 consecutive C bases (chr20:419,399-419,404); duplicating any one gives the same sequence. VCF-style (leftmost placement, unchanged base first): chr20-419398-G-GC. GRCh37 (hg19) VCF-style: chr20-400042-G-GC.
Other names: c.169dup, p.Gln57fs (NM_001323956.2, NM_001323958.2); c.569dup, p.Pro192fs (NM_001410770.1); c.392dup, p.Pro133fs (NM_006462.6); short protein forms Q57fs, P133fs, P175fs, P192fs.
Identifiers: ClinVar variation 4778530 (VCV004778530.1).